The following is an entry in ClinVar:

ClinVar aggregate classification (germline): Uncertain significance (1 of 4 stars; one submission).

Conditions:
Nephronophthisis 18 (NPHP18). Identifiers: Orphanet 655, MedGen C3890591, MONDO:0014374, OMIM 615862.

Allele frequency attached by ClinVar (database versions not stated): gnomAD 0.00001; gnomAD exomes 0.00001; ExAC 0.00002.
gnomAD v4.1: 6 of 1,613,116 alleles (0.00037%); highest among the groups gnomAD compares: Admixed American, 0.0017%; no homozygotes.

Submission:

Labcorp Genetics (formerly Invitae), Labcorp
Classification: Uncertain significance for Nephronophthisis 18. Last evaluated: 2022-07-14. Review status: criteria provided, single submitter. Criteria: Invitae Variant Classification Sherloc (09022015). Collection method: clinical testing. Allele origin: germline.
Comment: In summary, the available evidence is currently insufficient to determine the role of this variant in disease. Therefore, it has been classified as a Variant of Uncertain Significance. Algorithms developed to predict the effect of missense changes on protein structure and function are either unavailable or do not agree on the potential impact of this missense change (SIFT: "Not Available"; PolyPhen-2: "Possibly Damaging"; Align-GVGD: "Not Available"). ClinVar contains an entry for this variant (Variation ID: 941569). This variant has not been reported in the literature in individuals affected with CEP83-related conditions. This variant is present in population databases (rs772413915, gnomAD 0.01%). This sequence change replaces arginine, which is basic and polar, with serine, which is neutral and polar, at codon 39 of the CEP83 protein (p.Arg39Ser).

NM_016122.3(CEP83):c.117G>C (p.Arg39Ser)

Gene: CEP83 (centrosomal protein 83; minus strand). Cytogenetic location: 12q22.
Variant type: single nucleotide variant.
Coding change: c.117G>C on transcript NM_016122.3 (MANE Select); coding-DNA position 117, G replaced by C.
Protein change: p.Arg39Ser; replaces arginine 39 with serine.
Molecular consequence: missense variant. On other transcripts: non-coding transcript variant (1), intron variant (6).
Genome position (GRCh38, 1-based): chr12:94,412,374, C>G on the plus strand (G>C on the coding strand, the complement: CEP83 is on the minus strand). VCF-style: chr12-94412374-C-G. GRCh37 (hg19) VCF-style: chr12-94806150-C-G.
Other names: c.117G>C, p.Arg39Ser (NM_001042399.2, NM_001346457.2, NM_001346460.2 and 4 more transcripts); c.-140+143G>C (NM_001346459.2, NM_001346458.2, NM_001368040.1 and 3 more transcripts); short protein forms R39S.
Identifiers: ClinVar variation 941569 (VCV000941569.9), dbSNP rs772413915, ClinGen allele CA6722036.